The following is an entry in ClinVar:

NM_000315.4(PTH):c.122A>G (p.Asn41Ser)

Gene: PTH (parathyroid hormone; minus strand). Cytogenetic location: 11p15.3.
Variant type: single nucleotide variant.
Coding change: c.122A>G on transcript NM_000315.4 (MANE Select); coding-DNA position 122, A replaced by G.
Protein change: p.Asn41Ser; replaces asparagine 41 with serine.
Molecular consequence: missense variant.
Genome position (GRCh38, 1-based): chr11:13,492,631, T>C on the plus strand (A>G on the coding strand, the complement: PTH is on the minus strand). VCF-style: chr11-13492631-T-C. GRCh37 (hg19) VCF-style: chr11-13514178-T-C.
Other names: c.218A>G, p.Asn73Ser (NM_001316352.2); short protein forms N41S, N73S.
Identifiers: ClinVar variation 64394 (VCV000064394.2), dbSNP rs387907454, ClinGen allele CA216050.

ClinVar aggregate classification (germline): Uncertain significance (0 of 4 stars; one submission).

Submission:

Martin Pollak Laboratory,  Beth Israel Deaconess Medical Center
Classification: Uncertain significance. Review status: no assertion criteria provided. Collection method: not provided. Allele origin: unknown.
Comment: Lower UCa2+ group
ClinVar note: Converted during submission from unknown to Uncertain significance.